The following is an entry in ClinVar:

ClinVar aggregate classification (germline): Likely benign (1 of 4 stars; one submission).

Allele frequency attached by ClinVar (database versions not stated): gnomAD 0.00025; 1000 Genomes Project 30x 0.00047; 1000 Genomes Project 0.00060.
gnomAD v4.1: 141 of 1,609,116 alleles (0.0088%); highest among the groups gnomAD compares: Middle Eastern, 0.18%; 2 homozygotes.

Submission:

CeGaT Center for Human Genetics Tuebingen
Classification: Likely benign. Last evaluated: 2022-07-01. Review status: criteria provided, single submitter. Criteria: CeGaT Center For Human Genetics Tuebingen Variant Classification Criteria Version 2. Collection method: clinical testing. Allele origin: germline. Affected: yes. Observed: 1 variant allele.
Comment: ADAMTSL1: BP4

NM_001040272.6(ADAMTSL1):c.3806-7T>C

Gene: ADAMTSL1 (ADAMTS like 1; plus strand). Cytogenetic location: 9p22.1.
Variant type: single nucleotide variant.
Coding change: c.3806-7T>C on transcript NM_001040272.6 (MANE Select); 7 bases into the intron before coding-DNA position 3806, T replaced by C.
Molecular consequence: intron variant.
Genome position (GRCh38, 1-based): chr9:18,817,102, T>C. VCF-style: chr9-18817102-T-C. GRCh37 (hg19) VCF-style: chr9-18817100-T-C.
Identifiers: ClinVar variation 2659099 (VCV002659099.24), dbSNP rs186597390, ClinGen allele CA4999863.